The following is an entry in ClinVar:

ClinVar aggregate classification (germline): Uncertain significance. Review status: criteria provided, multiple submitters, no conflicts (2 of 4 stars). 2 submissions from 2 submitters: Uncertain significance (2). Last evaluated 2024-08-15.

Allele frequency attached by ClinVar (database versions not stated): ExAC 0.00003; gnomAD exomes 0.00004 and 0.00012; TOPMed 0.00003; gnomAD 0.00002.
gnomAD v4.1: 179 of 1,613,538 alleles (0.011%); highest among the groups gnomAD compares: Non-Finnish European, 0.015%; no homozygotes.

Submissions (2):

Labcorp Genetics (formerly Invitae), Labcorp
Classification: Uncertain significance. Last evaluated: 2024-08-15. Review status: criteria provided, single submitter. Criteria: Invitae Variant Classification Sherloc (09022015). Collection method: clinical testing. Allele origin: germline.
Comment: This sequence change replaces arginine, which is basic and polar, with tryptophan, which is neutral and slightly polar, at codon 43 of the LOXL3 protein (p.Arg43Trp). This variant is present in population databases (rs755080038, gnomAD 0.009%). This variant has not been reported in the literature in individuals affected with LOXL3-related conditions. ClinVar contains an entry for this variant (Variation ID: 1525202). An algorithm developed to predict the effect of missense changes on protein structure and function (PolyPhen-2) suggests that this variant is likely to be disruptive. In summary, the available evidence is currently insufficient to determine the role of this variant in disease. Therefore, it has been classified as a Variant of Uncertain Significance.

Ambry Genetics
Classification: Uncertain significance. Last evaluated: 2024-01-19. Review status: criteria provided, single submitter. Criteria: Ambry Variant Classification Scheme 2023. Collection method: clinical testing. Allele origin: germline.

NM_032603.5(LOXL3):c.127C>T (p.Arg43Trp)

Genes: DOK1 (docking protein 1; plus strand), LOXL3 (lysyl oxidase like 3; minus strand). Cytogenetic location: 2p13.1.
Variant type: single nucleotide variant.
Coding change: c.127C>T on transcript NM_032603.5 (MANE Select); coding-DNA position 127, C replaced by T.
Protein change: p.Arg43Trp; replaces arginine 43 with tryptophan.
Molecular consequence: missense variant. On other transcripts: intron variant (1).
Genome position (GRCh38, 1-based): chr2:74,552,508, G>A on the plus strand (C>T on the coding strand, the complement: LOXL3 is on the minus strand). VCF-style: chr2-74552508-G-A. GRCh37 (hg19) VCF-style: chr2-74779635-G-A.
Other names: c.127C>T, p.Arg43Trp (NM_001289164.3); c.-357-2646G>A (NM_001197260.2); short protein forms R43W.
Identifiers: ClinVar variation 1525202 (VCV001525202.6), dbSNP rs755080038, ClinGen allele CA1729255.